The following is an entry in ClinVar:

ClinVar aggregate classification (germline): Benign/Likely benign. Review status: criteria provided, multiple submitters, no conflicts (2 of 4 stars). 5 submissions from 5 submitters: Benign (1); Likely benign (4). Last evaluated 2025-06-06.

Conditions:
Hereditary cancer-predisposing syndrome. Also called: Hereditary Cancer Syndrome; Neoplastic Syndromes, Hereditary; Tumor predisposition; Hereditary neoplastic syndrome. Identifiers: Orphanet 140162, MedGen C0027672, MeSH D009386, MONDO:0015356.
Juvenile polyposis syndrome (JPS). Identifiers: Orphanet 2929, MedGen C0345893, MONDO:0017380, OMIM 174900.

Allele frequency attached by ClinVar (database versions not stated): gnomAD exomes below 0.00001; TOPMed 0.00001; gnomAD 0.00002.
gnomAD v4.1: 4 of 1,613,940 alleles (0.00025%); highest among the groups gnomAD compares: African/African-American, 0.0053%; no homozygotes.

Submissions (5):

Labcorp Genetics (formerly Invitae), Labcorp
Classification: Likely benign for Juvenile polyposis syndrome. Last evaluated: 2025-06-06. Review status: criteria provided, single submitter. Criteria: Invitae Variant Classification Sherloc (09022015). Collection method: clinical testing. Allele origin: germline.

Myriad Genetics, Inc.
Classification: Benign for Juvenile polyposis syndrome. Last evaluated: 2024-08-08. Review status: criteria provided, single submitter. Criteria: Myriad Autosomal Dominant, Autosomal Recessive and X-Linked Classification Criteria (2023). Collection method: clinical testing. Allele origin: unknown.
Comment: This variant is considered benign. This variant is a silent/synonymous amino acid change and it is not expected to impact splicing.

Women's Health and Genetics/Laboratory Corporation of America, LabCorp
Classification: Likely benign. Last evaluated: 2021-01-26. Review status: criteria provided, single submitter. Criteria: LabCorp Variant Classification Summary - May 2015. Collection method: clinical testing. Allele origin: germline.

Color Diagnostics, LLC DBA Color Health
Classification: Likely benign for Hereditary cancer-predisposing syndrome. Last evaluated: 2020-01-21. Review status: criteria provided, single submitter. Criteria: ACMG Guidelines, 2015. Collection method: clinical testing. Allele origin: germline.

Ambry Genetics
Classification: Likely benign for Hereditary cancer-predisposing syndrome. Last evaluated: 2015-06-26. Review status: criteria provided, single submitter. Criteria: Ambry Variant Classification Scheme 2023. Collection method: clinical testing. Allele origin: germline.

NM_004329.3(BMPR1A):c.1569G>A (p.Lys523=)

Gene: BMPR1A (bone morphogenetic protein receptor type 1A; plus strand). Cytogenetic location: 10q23.2.
Variant type: single nucleotide variant.
Coding change: c.1569G>A on transcript NM_004329.3 (MANE Select); coding-DNA position 1569, G replaced by A.
Protein change: p.Lys523=; no amino-acid change (lysine 523 retained).
Molecular consequence: synonymous variant.
Genome position (GRCh38, 1-based): chr10:86,923,689, G>A. VCF-style: chr10-86923689-G-A. GRCh37 (hg19) VCF-style: chr10-88683446-G-A.
Identifiers: ClinVar variation 232333 (VCV000232333.20), dbSNP rs876659703, ClinGen allele CA10578901.
Genomic context (GRCh38, chr10:86,923,689, plus strand): 5'-CTGGGCCCACAATCCAGCCTCCAGACTCACAGCATTGAGAATTAAGAAGACGCTTGCCAA[G>A]ATGGTTGAATCCCAAGATGTAAAAATCTGATGGTTAAACCATCGGAGGAGAAACTCTAGA-3'
Protein context (NP_004320.2, residues 513-532): TALRIKKTLA[Lys523=]MVESQDVKI